The following is an entry in ClinVar:

NM_017934.7(PHIP):c.1610A>T (p.His537Leu)

Gene: PHIP (PHIP subunit of CUL4-Ring ligase complex; minus strand). Cytogenetic location: 6q14.1.
Variant type: single nucleotide variant.
Coding change: c.1610A>T on transcript NM_017934.7 (MANE Select); coding-DNA position 1610, A replaced by T.
Protein change: p.His537Leu; replaces histidine 537 with leucine.
Molecular consequence: missense variant.
Genome position (GRCh38, 1-based): chr6:79,003,773, T>A on the plus strand (A>T on the coding strand, the complement: PHIP is on the minus strand). VCF-style: chr6-79003773-T-A. GRCh37 (hg19) VCF-style: chr6-79713490-T-A.
Other names: short protein forms H537L.
Identifiers: ClinVar variation 3901793 (VCV003901793.1).

ClinVar aggregate classification (germline): Uncertain significance (1 of 4 stars; one submission).

Submission:

GeneDx
Classification: Uncertain significance. Last evaluated: 2024-12-03. Review status: criteria provided, single submitter. Criteria: GeneDx Variant Classification Process June 2021. Collection method: clinical testing. Allele origin: germline. Affected: yes.
Comment: Not observed at significant frequency in large population cohorts (gnomAD); In silico analysis supports that this missense variant has a deleterious effect on protein structure/function; Has not been previously published as pathogenic or benign to our knowledge